The following is an entry in ClinVar:

ClinVar aggregate classification (germline): Uncertain significance (1 of 4 stars; one submission).

Allele frequency attached by ClinVar (database versions not stated): gnomAD exomes below 0.00001.
gnomAD v4.1: 1 of 1,614,278 alleles (0.000062%); highest among the groups gnomAD compares: Non-Finnish European, 0.000085%; no homozygotes.

Submission:

Labcorp Genetics (formerly Invitae), Labcorp
Classification: Uncertain significance. Last evaluated: 2022-10-26. Review status: criteria provided, single submitter. Criteria: Invitae Variant Classification Sherloc (09022015). Collection method: clinical testing. Allele origin: germline.
Comment: This sequence change replaces tryptophan, which is neutral and slightly polar, with arginine, which is basic and polar, at codon 711 of the KL protein (p.Trp711Arg). This variant is not present in population databases (gnomAD no frequency). This variant has not been reported in the literature in individuals affected with KL-related conditions. Advanced modeling of protein sequence and biophysical properties (such as structural, functional, and spatial information, amino acid conservation, physicochemical variation, residue mobility, and thermodynamic stability) performed at Invitae indicates that this missense variant is expected to disrupt KL protein function. In summary, the available evidence is currently insufficient to determine the role of this variant in disease. Therefore, it has been classified as a Variant of Uncertain Significance.

NM_004795.4(KL):c.2131T>C (p.Trp711Arg)

Gene: KL (klotho; plus strand). Cytogenetic location: 13q13.1.
Variant type: single nucleotide variant.
Coding change: c.2131T>C on transcript NM_004795.4 (MANE Select); coding-DNA position 2131, T replaced by C.
Protein change: p.Trp711Arg; replaces tryptophan 711 with arginine.
Molecular consequence: missense variant.
Genome position (GRCh38, 1-based): chr13:33,061,210, T>C. VCF-style: chr13-33061210-T-C. GRCh37 (hg19) VCF-style: chr13-33635347-T-C.
Other names: short protein forms W711R.
Identifiers: ClinVar variation 1722231 (VCV001722231.5), dbSNP rs2501790841, ClinGen allele CA387795941.